The following is an entry in ClinVar:

ClinVar aggregate classification (germline): Likely pathogenic (1 of 4 stars; one submission).

Conditions:
Hypomagnesemia, seizures, and impaired intellectual development 2. Also called: Hypomagnesemia, seizures, and intellectual disability 2. Identifiers: MedGen C5193023, MONDO:0020788, OMIM 618314.

Submission:

3billion
Classification: Likely pathogenic for Hypomagnesemia, seizures, and impaired intellectual development 2. Last evaluated: 2024-01-31. Review status: criteria provided, single submitter. Criteria: ACMG Guidelines, 2015. Collection method: clinical testing. Allele origin: germline. Affected: yes.
Comment: The variant is not observed in the gnomAD v2.1.1 dataset. Predicted Consequence/Location: Missense changes are a common disease-causing mechanism. In silico tool predictions suggest damaging effect of the variant on gene or gene product [REVEL: 0.95 (>=0.6, sensitivity 0.68 and specificity 0.92); 3Cnet: 0.60 (>=0.6, sensitivity 0.72 and precision 0.9)]. Same nucleotide change resulting in same amino acid change has been previously reported to be associated with ATP1A1-related disorder (PMID: 33968856). The variant has been previously reported as de novo in a similarly affected individual (PMID: 33968856). Therefore, this variant is classified as Likely pathogenic according to the recommendation of ACMG/AMP guideline.

Literature cited by the submitters: PubMed 33968856.

NM_000701.8(ATP1A1):c.2590G>A (p.Gly864Arg)

Genes: ATP1A1 (ATPase Na+/K+ transporting subunit alpha 1; plus strand), ATP1A1-AS1 (ATP1A1 antisense RNA 1; minus strand). Cytogenetic location: 1p13.1.
Variant type: single nucleotide variant.
Coding change: c.2590G>A on transcript NM_000701.8 (MANE Select); coding-DNA position 2590, G replaced by A.
Protein change: p.Gly864Arg; replaces glycine 864 with arginine.
Molecular consequence: missense variant.
Genome position (GRCh38, 1-based): chr1:116,400,878, G>A. VCF-style: chr1-116400878-G-A. GRCh37 (hg19) VCF-style: chr1-116943500-G-A.
Other names: c.2590G>A, p.Gly864Arg (NM_001160233.2); c.2497G>A, p.Gly833Arg (NM_001160234.2); short protein forms G833R, G864R.
Identifiers: ClinVar variation 3775372 (VCV003775372.1).